The following is an entry in ClinVar:

NM_001287.6(CLCN7):c.2148G>A (p.Pro716=)

Gene: CLCN7 (Cl-/H+ antiporter 7; minus strand). Cytogenetic location: 16p13.3.
Variant type: single nucleotide variant.
Coding change: c.2148G>A on transcript NM_001287.6 (MANE Select); coding-DNA position 2148, G replaced by A.
Protein change: p.Pro716=; no amino-acid change (proline 716 retained).
Molecular consequence: synonymous variant.
Genome position (GRCh38, 1-based): chr16:1,447,494, C>T on the plus strand (G>A on the coding strand, the complement: CLCN7 is on the minus strand). VCF-style: chr16-1447494-C-T. GRCh37 (hg19) VCF-style: chr16-1497495-C-T.
Other names: c.2076G>A, p.Pro692= (NM_001114331.3).
Identifiers: ClinVar variation 712845 (VCV000712845.19), dbSNP rs149081153, ClinGen allele CA7809905.

ClinVar aggregate classification (germline): Benign/Likely benign. Review status: criteria provided, multiple submitters, no conflicts (2 of 4 stars). 4 submissions from 4 submitters: Benign (2); Likely benign (2). Last evaluated 2026-01-25.

Allele frequency attached by ClinVar (database versions not stated): gnomAD exomes 0.00040 and 0.00097; ExAC 0.00213; 1000 Genomes Project 0.00339; 1000 Genomes Project 30x 0.00406; gnomAD 0.00417 and 0.00454; TOPMed 0.00461; ESP Exome Variant Server 0.00511.
gnomAD v4.1: 1,226 of 1,553,484 alleles (0.079%); highest among the groups gnomAD compares: African/African-American, 1.5%; 9 homozygotes.

Submissions (4):

Labcorp Genetics (formerly Invitae), Labcorp
Classification: Benign. Last evaluated: 2026-01-25. Review status: criteria provided, single submitter. Criteria: Invitae Variant Classification Sherloc (09022015). Collection method: clinical testing. Allele origin: germline.

CeGaT Center for Human Genetics Tuebingen
Classification: Likely benign. Last evaluated: 2025-11-01. Review status: criteria provided, single submitter. Criteria: CeGaT Center For Human Genetics Tuebingen Variant Classification Criteria Version 2. Collection method: clinical testing. Allele origin: germline. Affected: yes. Observed: 1 variant allele.
Comment: CLCN7: BP4, BP7, BS1

Blueprint Genetics
Classification: Likely benign. Last evaluated: 2024-10-16. Review status: criteria provided, single submitter. Criteria: ACMG Guidelines, 2015. Collection method: clinical testing. Allele origin: germline.

Breakthrough Genomics
Classification: Benign. Review status: criteria provided, single submitter. Criteria: ACMG Guidelines, 2015. Collection method: not provided. Allele origin: germline. Inheritance: Autosomal recessive inheritance. Affected: yes.